The following is an entry in ClinVar:

ClinVar aggregate classification (germline): Uncertain significance (1 of 4 stars; one submission).

Conditions:
Juvenile onset Parkinson disease 19A. Also called: PARK19; DNAJC6 Parkinson Disease. Identifiers: Orphanet 391411, MedGen C3809811, MONDO:0014231, OMIM 615528.

Submission:

Labcorp Genetics (formerly Invitae), Labcorp
Classification: Uncertain significance for Juvenile onset Parkinson disease 19A. Last evaluated: 2022-02-21. Review status: criteria provided, single submitter. Criteria: Invitae Variant Classification Sherloc (09022015). Collection method: clinical testing. Allele origin: unknown.
Comment: In summary, the available evidence is currently insufficient to determine the role of this variant in disease. Therefore, it has been classified as a Variant of Uncertain Significance. This variant has not been reported in the literature in individuals affected with DNAJC6-related conditions. This variant results in a copy number gain of the genomic region encompassing exon(s) 9-19 of the DNAJC6 gene. This region includes the termination codon of the gene. This copy number gain extends beyond the assayed region for this gene and therefore may encompass additional genes. As the precise location of this event is unknown, it may be in tandem or it may be located elsewhere in the genome.

NC_000001.10:g.(?_65853999)_(65878708_?)dup

Gene: DNAJC6 (DnaJ heat shock protein family (Hsp40) member C6; plus strand). Cytogenetic location: 1p31.3.
Variant type: Duplication.
Identifiers: ClinVar variation 3247834 (VCV003247834.1).